The following is an entry in ClinVar:

NM_001035.3(RYR2):c.8357G>T (p.Gly2786Val)

Gene: RYR2 (ryanodine receptor 2; plus strand). Cytogenetic location: 1q43.
Variant type: single nucleotide variant.
Coding change: c.8357G>T on transcript NM_001035.3 (MANE Select); coding-DNA position 8357, G replaced by T.
Protein change: p.Gly2786Val; replaces glycine 2786 with valine.
Molecular consequence: missense variant.
Genome position (GRCh38, 1-based): chr1:237,660,868, G>T. VCF-style: chr1-237660868-G-T. GRCh37 (hg19) VCF-style: chr1-237824168-G-T.
Other names: short protein forms G2786V.
Identifiers: ClinVar variation 1017543 (VCV001017543.12), dbSNP rs1060500149, ClinGen allele CA345401854.

ClinVar aggregate classification (germline): Uncertain significance. Review status: criteria provided, multiple submitters, no conflicts (2 of 4 stars). 3 submissions from 3 submitters: Uncertain significance (3). Last evaluated 2024-05-07.

Conditions:
Catecholaminergic polymorphic ventricular tachycardia 1. Also called: VENTRICULAR TACHYCARDIA, STRESS-INDUCED POLYMORPHIC 1; VENTRICULAR TACHYCARDIA, CATECHOLAMINERGIC POLYMORPHIC, 1, WITH OR WITHOUT ATRIAL DYSFUNCTION AND/OR DILATED CARDIOMYOPATHY; RYR2-Related Catecholaminergic Polymorphic Ventricular Tachycardia. Identifiers: Orphanet 3286, MedGen C1631597, MONDO:0011484, OMIM 604772.
Cardiovascular phenotype. Identifiers: MedGen CN230736.
Cardiomyopathy (CMYO). Also called: Cardiomyopathies. Identifiers: Orphanet 167848, MedGen C0878544, MONDO:0004994, HP:0001638. Inheritance: Various modes of inheritance.

gnomAD v4.1: 9 of 1,544,924 alleles (0.00058%); highest among the groups gnomAD compares: Non-Finnish European, 0.00079%; no homozygotes.

Submissions (3):

Labcorp Genetics (formerly Invitae), Labcorp
Classification: Uncertain significance for Catecholaminergic polymorphic ventricular tachycardia 1. Last evaluated: 2024-05-07. Review status: criteria provided, single submitter. Criteria: Invitae Variant Classification Sherloc (09022015). Collection method: clinical testing. Allele origin: germline.
Comment: This sequence change replaces glycine, which is neutral and non-polar, with valine, which is neutral and non-polar, at codon 2786 of the RYR2 protein (p.Gly2786Val). This variant is not present in population databases (gnomAD no frequency). This variant has not been reported in the literature in individuals affected with RYR2-related conditions. ClinVar contains an entry for this variant (Variation ID: 1017543). Advanced modeling of protein sequence and biophysical properties (such as structural, functional, and spatial information, amino acid conservation, physicochemical variation, residue mobility, and thermodynamic stability) performed at Invitae indicates that this missense variant is expected to disrupt RYR2 protein function with a positive predictive value of 95%. In summary, the available evidence is currently insufficient to determine the role of this variant in disease. Therefore, it has been classified as a Variant of Uncertain Significance.

Color Diagnostics, LLC DBA Color Health
Classification: Uncertain significance for Cardiomyopathy. Last evaluated: 2023-12-12. Review status: criteria provided, single submitter. Criteria: ACMG Guidelines, 2015. Collection method: clinical testing. Allele origin: germline.
Comment: This missense variant replaces glycine with valine at codon 2786 of the RYR2 protein. Computational prediction suggests that this variant may have deleterious impact on protein structure and function. To our knowledge, functional studies have not been reported for this variant. This variant has not been reported in individuals affected with RYR2-related disorders in the literature. This variant has not been identified in the general population by the Genome Aggregation Database (gnomAD). The available evidence is insufficient to determine the role of this variant in disease conclusively. Therefore, this variant is classified as a Variant of Uncertain Significance.

Ambry Genetics
Classification: Uncertain significance for Cardiovascular phenotype. Last evaluated: 2021-09-03. Review status: criteria provided, single submitter. Criteria: Ambry Variant Classification Scheme 2023. Collection method: clinical testing. Allele origin: germline.
Comment: The p.G2786V variant (also known as c.8357G>T), located in coding exon 56 of the RYR2 gene, results from a G to T substitution at nucleotide position 8357. The glycine at codon 2786 is replaced by valine, an amino acid with dissimilar properties. This amino acid position is well conserved in available vertebrate species. In addition, this alteration is predicted to be deleterious by in silico analysis. Since supporting evidence is limited at this time, the clinical significance of this alteration remains unclear.